The following is an entry in ClinVar:

NM_015338.6(ASXL1):c.1228A>G (p.Lys410Glu)

Gene: ASXL1 (ASXL transcriptional regulator 1; plus strand). Cytogenetic location: 20q11.21.
Variant type: single nucleotide variant.
Coding change: c.1228A>G on transcript NM_015338.6 (MANE Select); coding-DNA position 1228, A replaced by G.
Protein change: p.Lys410Glu; replaces lysine 410 with glutamic acid.
Molecular consequence: missense variant.
Genome position (GRCh38, 1-based): chr20:32,433,426, A>G. VCF-style: chr20-32433426-A-G. GRCh37 (hg19) VCF-style: chr20-31021229-A-G.
Other names: c.1045A>G, p.Lys349Glu (NM_001363734.1); short protein forms K349E, K410E.
Identifiers: ClinVar variation 4864085 (VCV004864085.1).

ClinVar aggregate classification (germline): Uncertain significance (1 of 4 stars; one submission).

Conditions:
Inborn genetic diseases. Identifiers: MedGen C0950123, MeSH D030342.

Submission:

Ambry Genetics
Classification: Uncertain significance for Inborn genetic diseases. Last evaluated: 2026-03-23. Review status: criteria provided, single submitter. Criteria: Ambry Variant Classification Scheme 2023. Collection method: clinical testing. Allele origin: germline.
Comment: The p.K410E variant (also known as c.1228A>G), located in coding exon 12 of the ASXL1 gene, results from an A to G substitution at nucleotide position 1228. The lysine at codon 410 is replaced by glutamic acid, an amino acid with similar properties. This amino acid position is conserved. In addition, this alteration is predicted to be tolerated by in silico analysis. Based on the available evidence, the clinical significance of this variant remains unclear.